The following is an entry in ClinVar:

ClinVar aggregate classification (germline): Likely benign (1 of 4 stars; one submission).

Conditions:
Arthrogryposis, renal dysfunction, and cholestasis 1 (ARCS1). Identifiers: Orphanet 2697, MedGen C1859722, MONDO:0008822, OMIM 208085.

Allele frequency attached by ClinVar (database versions not stated): gnomAD exomes 0.00050; gnomAD 0.00347 and 0.00367; TOPMed 0.00423; 1000 Genomes Project 0.00479; 1000 Genomes Project 30x 0.00547.
gnomAD v4.1: 627 of 348,590 alleles (0.18%); highest among the groups gnomAD compares: African/African-American, 1.2%; 5 homozygotes.

Submission:

Illumina Laboratory Services, Illumina
Classification: Likely benign for Arthrogryposis, renal dysfunction, and cholestasis 1. Last evaluated: 2018-01-13. Review status: criteria provided, single submitter. Criteria: ICSL Variant Classification Criteria 13 December 2019. Collection method: clinical testing. Allele origin: germline.
Comment: This variant was observed in the ICSL laboratory as part of a predisposition screen in an ostensibly healthy population. It had not been previously curated by ICSL or reported in the Human Gene Mutation Database (HGMD: prior to June 1st, 2018), and was therefore a candidate for classification through an automated scoring system. Utilizing variant allele frequency, disease prevalence and penetrance estimates, and inheritance mode, an automated score was calculated to assess if this variant is too frequent to cause the disease. Based on the score and internal cut-off values, a variant classified as likely benign is not then subjected to further curation. The score for this variant resulted in a classification of likely benign for this disease.

NM_018668.5(VPS33B):c.-269T>C

Gene: VPS33B (VPS33B late endosome and lysosome associated; minus strand). Cytogenetic location: 15q26.1.
Variant type: single nucleotide variant.
Coding change: c.-269T>C on transcript NM_018668.5 (MANE Select); 269 bases upstream of the start codon, T replaced by C.
Molecular consequence: 5 prime UTR variant.
Genome position (GRCh38, 1-based): chr15:91,022,518, A>G on the plus strand (T>C on the coding strand, the complement: VPS33B is on the minus strand). VCF-style: chr15-91022518-A-G. GRCh37 (hg19) VCF-style: chr15-91565748-A-G.
Other names: c.-269T>C (NM_001289148.1); c.-480T>C (NM_001289149.1).
Identifiers: ClinVar variation 317433 (VCV000317433.5), dbSNP rs561174112, ClinGen allele CA10636693.
Genomic context (GRCh38, chr15:91,022,518, plus strand): 5'-CAGACCTGCAGCCACCGTGTCTCGACCCTCCCTCCCTGATCCACTCTGCCCGTCAGCAGG[A>G]TTCCGGTCTACACCCCGCAGAGACTCCGCAGCGTACGAGGAGAACCCCGCCTTCTACCAG-3'